The following is an entry in ClinVar:

NM_001378183.1(PIEZO2):c.5684C>A (p.Thr1895Lys)

Gene: PIEZO2 (piezo type mechanosensitive ion channel component 2; minus strand). Cytogenetic location: 18p11.22.
Variant type: single nucleotide variant.
Coding change: c.5684C>A on transcript NM_001378183.1 (MANE Select); coding-DNA position 5684, C replaced by A.
Protein change: p.Thr1895Lys; replaces threonine 1895 with lysine.
Molecular consequence: missense variant.
Genome position (GRCh38, 1-based): chr18:10,705,651, G>T on the plus strand (C>A on the coding strand, the complement: PIEZO2 is on the minus strand). VCF-style: chr18-10705651-G-T. GRCh37 (hg19) VCF-style: chr18-10705649-G-T.
Other names: c.5420C>A, p.Thr1807Lys (NM_001410871.1); c.5345C>A, p.Thr1782Lys (NM_022068.4); short protein forms T1782K, T1807K, T1895K.
Identifiers: ClinVar variation 3901316 (VCV003901316.1).

ClinVar aggregate classification (germline): Uncertain significance (1 of 4 stars; one submission).

Submission:

GeneDx
Classification: Uncertain significance. Last evaluated: 2024-12-05. Review status: criteria provided, single submitter. Criteria: GeneDx Variant Classification Process June 2021. Collection method: clinical testing. Allele origin: germline. Affected: yes.
Comment: Not observed at significant frequency in large population cohorts (gnomAD); In silico analysis indicates that this missense variant does not alter protein structure/function; Has not been previously published as pathogenic or benign to our knowledge